The following is an entry in ClinVar:

ClinVar aggregate classification (germline): Conflicting classifications of pathogenicity. Review status: criteria provided, conflicting classifications (1 of 4 stars). 3 submissions from 3 submitters: Uncertain significance (2); Likely benign (1). Last evaluated 2021-02-20.

Conditions:
Koolen-de Vries syndrome (KDVS). Identifiers: Orphanet 96169, MedGen C1864871, MONDO:0012496, OMIM 610443.

Allele frequency attached by ClinVar (database versions not stated): gnomAD exomes below 0.00001.
gnomAD v4.1: 1 of 1,595,416 alleles (0.000063%); highest among the groups gnomAD compares: Non-Finnish European, 0.000085%; no homozygotes.

Submissions (3):

Labcorp Genetics (formerly Invitae), Labcorp
Classification: Uncertain significance for Koolen-de Vries syndrome. Last evaluated: 2021-02-20. Review status: criteria provided, single submitter. Criteria: Invitae Variant Classification Sherloc (09022015). Collection method: clinical testing. Allele origin: germline.
Comment: In summary, the available evidence is currently insufficient to determine the role of this variant in disease. Therefore, it has been classified as a Variant of Uncertain Significance. Algorithms developed to predict the effect of missense changes on protein structure and function (SIFT, PolyPhen-2, Align-GVGD) all suggest that this variant is likely to be tolerated, but these predictions have not been confirmed by published functional studies and their clinical significance is uncertain. This variant has not been reported in the literature in individuals with KANSL1-related conditions. ClinVar contains an entry for this variant (Variation ID: 205797). This variant is not present in population databases (ExAC no frequency). This sequence change replaces arginine with glycine at codon 745 of the KANSL1 protein (p.Arg745Gly). The arginine residue is moderately conserved and there is a moderate physicochemical difference between arginine and glycine.

CeGaT Center for Human Genetics Tuebingen
Classification: Likely benign. Last evaluated: 2019-02-01. Review status: criteria provided, single submitter. Criteria: CeGaT Center For Human Genetics Tuebingen Variant Classification Criteria Version 2. Collection method: clinical testing. Allele origin: germline. Affected: yes. Observed: 1 variant allele.

GeneDx
Classification: Uncertain significance. Last evaluated: 2014-02-24. Review status: criteria provided, single submitter. Criteria: GeneDx Variant Classification (06012015). Collection method: clinical testing. Allele origin: germline. Affected: yes.
Comment: This variant is denoted p.Arg745Gly:c.2233 A>G of the KANSL1 gene (NM_001193466.1). The R745G variant has not been published as a mutation, nor has it been reported as a benign polymorphism to our knowledge. It was not observed in approximately 6,500 individuals of European and African American ancestry in the NHLBI Exome Sequencing Project, indicating it is not a common benign variant in these populations. The Arg745Gly variant is a non-conservative amino acid substitution, which is likely to impact secondary protein structure as these residues differ in polarity, charge, size and/or other properties. This substitution occurs at a position that is conserved in mammals. However, in silico analysis predicts this variant likely does not alter the protein structure/function. Therefore, based on the currently available information, it is unclear whether this variant is a pathogenic mutation or a rare benign variant. The variant is found in INFANT-EPI panel(s).

NM_015443.4(KANSL1):c.2233A>G (p.Arg745Gly)

Gene: KANSL1 (KAT8 regulatory NSL complex subunit 1). Cytogenetic location: 17q21.31.
Variant type: single nucleotide variant.
Coding change: c.2233A>G on transcript NM_015443.4 (MANE Select); coding-DNA position 2233, A replaced by G.
Protein change: p.Arg745Gly; replaces arginine 745 with glycine.
Molecular consequence: missense variant.
Genome position (GRCh38, 1-based): chr17:46,039,186, T>C on the plus strand (A>G on the coding strand, the complement: KANSL1 is on the minus strand). VCF-style: chr17-46039186-T-C. GRCh37 (hg19) VCF-style: chr17-44116552-T-C.
Other names: p.R745G:AGG>GGG; c.2233A>G, p.Arg745Gly (NM_001193465.2, NM_001193466.2, NM_001379198.1); short protein forms R745G.
Identifiers: ClinVar variation 205797 (VCV000205797.51), dbSNP rs796052596, ClinGen allele CA315221.